The following is an entry in ClinVar:

ClinVar aggregate classification (germline): Uncertain significance (1 of 4 stars; one submission).

Submission:

Greenwood Genetic Center Diagnostic Laboratories, Greenwood Genetic Center
Classification: Uncertain significance. Last evaluated: 2024-08-01. Review status: criteria provided, single submitter. Criteria: ACMG Guidelines, 2015. Collection method: clinical testing. Allele origin: germline. Affected: yes.
Comment: Gene of Uncertain Significance

NM_022087.4(GALNT11):c.1393_1396del (p.Gln465fs)

Gene: GALNT11 (polypeptide N-acetylgalactosaminyltransferase 11; plus strand). Cytogenetic location: 7q36.1.
Variant type: Deletion.
Coding change: c.1393_1396del on transcript NM_022087.4 (MANE Select); coding-DNA positions 1393 to 1396, 4 bases deleted (CAAC; older notation c.1393_1396delCAAC).
Protein change: p.Gln465fs; shifts the reading frame from glutamine 465.
Molecular consequence: frameshift variant. On other transcripts: non-coding transcript variant (3).
Genome position (GRCh38, 1-based): chr7:152,117,316-152,117,319, CAAC deleted; deleting any 4 consecutive bases within chr7:152,117,315-152,117,319 gives the same sequence; the c. name uses the placement nearest the transcript's 3' end. VCF-style (leftmost placement, unchanged base first): chr7-152117314-CCCAA-C. GRCh37 (hg19) VCF-style: chr7-151814399-CCCAA-C.
Other names: c.1150_1153del, p.Gln384fs (NM_001304514.2); c.1393_1396del, p.Gln465fs (NM_001371458.1, NM_001371459.1, NM_001371460.1 and 4 more transcripts); c.1390_1393del, p.Gln464fs (NM_001371465.1, NM_001371466.1, NM_001371467.1); c.1096_1099del, p.Gln366fs (NM_001371468.1, NM_001371469.1, NM_001371470.1); c.1267_1270del, p.Gln423fs (NM_001371475.1); short protein forms Q366fs, Q384fs, Q423fs, Q464fs, Q465fs.
Identifiers: ClinVar variation 3765883 (VCV003765883.1).
Genomic context (GRCh38, chr7:152,117,314, plus strand): 5'-TTAAATGGTATTTGGATAATGTATACCCAGAGATGCAGATATCTGGGTCCCACGCCAAAC[CCCAA>C]CAACCCATTTTTGTCAATAGAGGGCCAAAACGACCCAAAGTCCTTCAACGTGGAAGGGTA-3'